The following is an entry in ClinVar:

NM_001082486.2(ACD):c.1074C>A (p.His358Gln)

Gene: ACD (ACD shelterin complex subunit and telomerase recruitment factor; minus strand). Cytogenetic location: 16q22.1.
Variant type: single nucleotide variant.
Coding change: c.1074C>A on transcript NM_001082486.2 (MANE Select); coding-DNA position 1074, C replaced by A.
Protein change: p.His358Gln; replaces histidine 358 with glutamine.
Molecular consequence: missense variant.
Genome position (GRCh38, 1-based): chr16:67,658,118, G>T on the plus strand (C>A on the coding strand, the complement: ACD is on the minus strand). VCF-style: chr16-67658118-G-T. GRCh37 (hg19) VCF-style: chr16-67692021-G-T.
Other names: c.987C>A, p.His329Gln (NM_001410884.1); c.1065C>A, p.His355Gln (NM_022914.3); short protein forms H358Q, H355Q, H329Q.
Identifiers: ClinVar variation 2561105 (VCV002561105.4), dbSNP rs752017845, ClinGen allele CA396352225.

ClinVar aggregate classification (germline): Uncertain significance. Review status: criteria provided, multiple submitters, no conflicts (2 of 4 stars). 3 submissions from 3 submitters: Uncertain significance (3). Last evaluated 2026-04-07.

Conditions:
Dyskeratosis congenita, autosomal dominant 6 (DKCA6). Identifiers: Orphanet 3322, MedGen C4225284, MONDO:0014690, OMIM 616553.
Inborn genetic diseases. Identifiers: MedGen C0950123, MeSH D030342.

Submissions (3):

Department of Clinical Genetics, Copenhagen University Hospital, Rigshospitalet
Classification: Uncertain significance for Dyskeratosis congenita, autosomal dominant 6. Last evaluated: 2026-04-07. Review status: criteria provided, single submitter. Criteria: ACMG Guidelines, 2015. Collection method: clinical testing. Allele origin: germline.
Comment: The following ACMG criteria has been used: PM2_SUP (not reported in gnomAD v.4.1)

Center for Genomic Medicine, Rigshospitalet, Copenhagen University Hospital
Classification: Uncertain significance. Last evaluated: 2025-03-04. Review status: criteria provided, single submitter. Criteria: ACMG Guidelines, 2015. Collection method: clinical testing. Allele origin: germline.

Ambry Genetics
Classification: Uncertain significance for Inborn genetic diseases. Last evaluated: 2023-04-20. Review status: criteria provided, single submitter. Criteria: Ambry Variant Classification Scheme 2023. Collection method: clinical testing. Allele origin: germline.
Comment: The p.H444Q variant (also known as c.1332C>A), located in coding exon 10 of the ACD gene, results from a C to A substitution at nucleotide position 1332. The histidine at codon 444 is replaced by glutamine, an amino acid with highly similar properties. This amino acid position is conserved. In addition, this alteration is predicted to be tolerated by in silico analysis. Since supporting evidence is limited at this time, the clinical significance of this alteration remains unclear.